The following is an entry in ClinVar:

ClinVar aggregate classification (germline): Uncertain significance (1 of 4 stars; one submission).

Allele frequency attached by ClinVar (database versions not stated): gnomAD 0.00001; TOPMed 0.00001; gnomAD exomes 0.00002; ExAC 0.00003.
gnomAD v4.1: 27 of 1,478,268 alleles (0.0018%); highest among the groups gnomAD compares: Middle Eastern, 0.018%; no homozygotes.

Submission:

Labcorp Genetics (formerly Invitae), Labcorp
Classification: Uncertain significance. Last evaluated: 2024-09-30. Review status: criteria provided, single submitter. Criteria: Invitae Variant Classification Sherloc (09022015). Collection method: clinical testing. Allele origin: germline.
Comment: This sequence change falls in intron 10 of the C2CD3 gene. It does not directly change the encoded amino acid sequence of the C2CD3 protein. It affects a nucleotide within the consensus splice site. The frequency data for this variant in the population databases is considered unreliable, as metrics indicate poor data quality at this position in the gnomAD database. This variant has not been reported in the literature in individuals affected with C2CD3-related conditions. ClinVar contains an entry for this variant (Variation ID: 1435270). Variants that disrupt the consensus splice site are a relatively common cause of aberrant splicing (PMID: 17576681, 9536098). Algorithms developed to predict the effect of sequence changes on RNA splicing suggest that this variant is not likely to affect RNA splicing. In summary, the available evidence is currently insufficient to determine the role of this variant in disease. Therefore, it has been classified as a Variant of Uncertain Significance.

Literature cited by the submitters: PubMed 17576681; PubMed 9536098.

NM_001286577.2(C2CD3):c.1731-3T>C

Gene: C2CD3 (C2 domain containing 3 centriole elongation regulator; minus strand). Cytogenetic location: 11q13.4.
Variant type: single nucleotide variant.
Coding change: c.1731-3T>C on transcript NM_001286577.2 (MANE Select); 3 bases into the intron before coding-DNA position 1731, T replaced by C.
Molecular consequence: intron variant.
Genome position (GRCh38, 1-based): chr11:74,113,895, A>G on the plus strand (T>C on the coding strand, the complement: C2CD3 is on the minus strand). VCF-style: chr11-74113895-A-G. GRCh37 (hg19) VCF-style: chr11-73824940-A-G.
Other names: c.1731-3T>C (NM_015531.6).
Identifiers: ClinVar variation 1435270 (VCV001435270.5), dbSNP rs762728911, ClinGen allele CA6182863.
Genomic context (GRCh38, chr11:74,113,895, plus strand): 5'-CTTTCCCAATCCGCTTTCCGAAAAGCCCACAGGAAAGTGATATTCTACAAAGAAAGTGCT[A>G]AAAAGAAAAAAAAAGTGATTAAAAACTAACCAAACAATAAACCTAATTTCCGTCTGATAA-3'